The following is an entry in ClinVar:

NM_004168.4(SDHA):c.1739A>T (p.Tyr580Phe)

Gene: SDHA (succinate dehydrogenase complex flavoprotein subunit A; plus strand). Cytogenetic location: 5p15.33.
Variant type: single nucleotide variant.
Coding change: c.1739A>T on transcript NM_004168.4 (MANE Select); coding-DNA position 1739, A replaced by T.
Protein change: p.Tyr580Phe; replaces tyrosine 580 with phenylalanine.
Molecular consequence: missense variant. On other transcripts: intron variant (1).
Genome position (GRCh38, 1-based): chr5:251,413, A>T. VCF-style: chr5-251413-A-T. GRCh37 (hg19) VCF-style: chr5-251528-A-T.
Other names: c.1595A>T, p.Tyr532Phe (NM_001294332.2); c.1552-2980A>T (NM_001330758.2); short protein forms Y532F, Y580F.
Identifiers: ClinVar variation 1717907 (VCV001717907.8), dbSNP rs372707443, ClinGen allele CA359000202.

ClinVar aggregate classification (germline): Uncertain significance. Review status: criteria provided, multiple submitters, no conflicts (2 of 4 stars). 2 submissions from 2 submitters: Uncertain significance (2). Last evaluated 2022-08-24.

Conditions:
Hereditary cancer-predisposing syndrome. Also called: Hereditary Cancer Syndrome; Hereditary neoplastic syndrome; Neoplastic Syndromes, Hereditary; Tumor predisposition. Identifiers: Orphanet 140162, MedGen C0027672, MeSH D009386, MONDO:0015356.
Mitochondrial complex II deficiency, nuclear type 1. Also called: SUCCINATE CoQ REDUCTASE DEFICIENCY. Identifiers: Orphanet 3208, MedGen C5700310, MONDO:0100294, OMIM 252011.
Pheochromocytoma/paraganglioma syndrome 5. Also called: Paragangliomas 5; SDHA-Related Hereditary Paraganglioma-Pheochromocytoma Syndrome. Identifiers: Orphanet 29072, MedGen C3279992, MONDO:0013602, OMIM 614165.

Submissions (2):

Labcorp Genetics (formerly Invitae), Labcorp
Classification: Uncertain significance for Pheochromocytoma/paraganglioma syndrome 5; Mitochondrial complex II deficiency, nuclear type 1. Last evaluated: 2022-08-24. Review status: criteria provided, single submitter. Criteria: Invitae Variant Classification Sherloc (09022015). Collection method: clinical testing. Allele origin: germline.
Comment: This variant has not been reported in the literature in individuals affected with SDHA-related conditions. This variant is not present in population databases (gnomAD no frequency). This sequence change replaces tyrosine, which is neutral and polar, with phenylalanine, which is neutral and non-polar, at codon 580 of the SDHA protein (p.Tyr580Phe). Advanced modeling of protein sequence and biophysical properties (such as structural, functional, and spatial information, amino acid conservation, physicochemical variation, residue mobility, and thermodynamic stability) performed at Invitae indicates that this missense variant is not expected to disrupt SDHA protein function. In summary, the available evidence is currently insufficient to determine the role of this variant in disease. Therefore, it has been classified as a Variant of Uncertain Significance.

Ambry Genetics
Classification: Uncertain significance for Hereditary cancer-predisposing syndrome. Last evaluated: 2022-01-27. Review status: criteria provided, single submitter. Criteria: Ambry Variant Classification Scheme 2023. Collection method: clinical testing. Allele origin: germline.
Comment: The p.Y580F variant (also known as c.1739A>T), located in coding exon 13 of the SDHA gene, results from an A to T substitution at nucleotide position 1739. The tyrosine at codon 580 is replaced by phenylalanine, an amino acid with highly similar properties. This amino acid position is conserved. In addition, the in silico prediction for this alteration is inconclusive. Since supporting evidence is limited at this time, the clinical significance of this alteration remains unclear.